The following is an entry in ClinVar:

NM_005026.5(PIK3CD):c.8C>T (p.Pro3Leu)

Gene: PIK3CD (phosphatidylinositol-4,5-bisphosphate 3-kinase catalytic subunit delta; plus strand). Cytogenetic location: 1p36.22.
Variant type: single nucleotide variant.
Coding change: c.8C>T on transcript NM_005026.5 (MANE Select); coding-DNA position 8, C replaced by T.
Protein change: p.Pro3Leu; replaces proline 3 with leucine.
Molecular consequence: missense variant.
Genome position (GRCh38, 1-based): chr1:9,710,463, C>T. VCF-style: chr1-9710463-C-T. GRCh37 (hg19) VCF-style: chr1-9770521-C-T.
Other names: c.8C>T, p.Pro3Leu (NM_001350234.2, NM_001350235.1); c.8C>T (NM_005026.3); short protein forms P3L.
Identifiers: ClinVar variation 1384937 (VCV001384937.11), dbSNP rs780051553, ClinGen allele CA576761.
Genomic context (GRCh38, chr1:9,710,463, plus strand): 5'-TTGCCATTTCTTCATTTTTAGGACAACTGTCATCTGGGAAGTAACAACGCAGGATGCCCC[C>T]TGGGGTGGACTGCCCCATGGAATTCTGGACCAAGGAGGAGAATCAGAGCGTTGTGGTTGA-3'
Protein context (NP_005017.3, residues 1-13): MP[Pro3Leu]GVDCPMEFWT

ClinVar aggregate classification (germline): Uncertain significance. Review status: criteria provided, multiple submitters, no conflicts (2 of 4 stars). 4 submissions from 4 submitters: Uncertain significance (4). Last evaluated 2025-07-21.

Conditions:
Inborn genetic diseases. Identifiers: MedGen C0950123, MeSH D030342.
Immunodeficiency 14 (IMD14A). Also called: ACTIVATED PI3K-DELTA SYNDROME 1; Activated PI3K Delta Syndrome Type 1 (APDS1); p110-DELTA-ACTIVATING MUTATION CAUSING SENESCENT T CELLS, LYMPHADENOPATHY, AND IMMUNODEFICIENCY; IMMUNODEFICIENCY 14A WITH LYMPHOPROLIFERATION, AUTOSOMAL DOMINANT. Identifiers: Orphanet 397596, Orphanet 693661, MedGen C5907821, MONDO:0014222, OMIM 615513.

Allele frequency attached by ClinVar (database versions not stated): gnomAD exomes below 0.00001 and 0.00001; gnomAD 0.00001; ExAC 0.00002; TOPMed 0.00002.
gnomAD v4.1: 7 of 1,613,930 alleles (0.00043%); highest among the groups gnomAD compares: Middle Eastern, 0.016%; no homozygotes.

Submissions (4):

Labcorp Genetics (formerly Invitae), Labcorp
Classification: Uncertain significance for Activated PI3K-delta syndrome. Last evaluated: 2025-07-21. Review status: criteria provided, single submitter. Criteria: Invitae Variant Classification Sherloc (09022015). Collection method: clinical testing. Allele origin: germline.
Comment: This sequence change replaces proline, which is neutral and non-polar, with leucine, which is neutral and non-polar, at codon 3 of the PIK3CD protein (p.Pro3Leu). This variant is present in population databases (rs780051553, gnomAD 0.01%). This variant has not been reported in the literature in individuals affected with PIK3CD-related conditions. ClinVar contains an entry for this variant (Variation ID: 1384937). An algorithm developed to predict the effect of missense changes on protein structure and function (PolyPhen-2) suggests that this variant is likely to be tolerated. In summary, the available evidence is currently insufficient to determine the role of this variant in disease. Therefore, it has been classified as a Variant of Uncertain Significance.

Ambry Genetics
Classification: Uncertain significance for Inborn genetic diseases. Last evaluated: 2025-04-19. Review status: criteria provided, single submitter. Criteria: Ambry Variant Classification Scheme 2023. Collection method: clinical testing. Allele origin: germline.

Blueprint Genetics
Classification: Uncertain significance. Last evaluated: 2022-04-20. Review status: criteria provided, single submitter. Criteria: ACMG Guidelines, 2015. Collection method: clinical testing. Allele origin: germline.

Breakthrough Genomics
Classification: Uncertain significance. Review status: criteria provided, single submitter. Criteria: ACMG Guidelines, 2015. Collection method: not provided. Allele origin: germline. Inheritance: Autosomal recessive inheritance. Affected: yes.